The following is an entry in ClinVar:

NM_000642.3(AGL):c.3754A>G (p.Asn1252Asp)

Gene: AGL (amylo-alpha-1,6-glucosidase and 4-alpha-glucanotransferase; plus strand). Cytogenetic location: 1p21.2.
Variant type: single nucleotide variant.
Coding change: c.3754A>G on transcript NM_000642.3 (MANE Select); coding-DNA position 3754, A replaced by G.
Protein change: p.Asn1252Asp; replaces asparagine 1252 with aspartic acid.
Molecular consequence: missense variant.
Genome position (GRCh38, 1-based): chr1:99,910,765, A>G. VCF-style: chr1-99910765-A-G. GRCh37 (hg19) VCF-style: chr1-100376321-A-G.
Other names: c.3754A>G, p.Asn1252Asp (NM_000028.3, NM_000643.3, NM_000644.3 and 1 more transcripts); c.3706A>G, p.Asn1236Asp (NM_000646.3); c.3733A>G, p.Asn1245Asp (NM_001425326.1); c.3553A>G, p.Asn1185Asp (NM_001425327.1); c.3550A>G, p.Asn1184Asp (NM_001425328.1); c.3415A>G, p.Asn1139Asp (NM_001425329.1); c.3376A>G, p.Asn1126Asp (NM_001425332.1); short protein forms N1252D, N1236D, N1126D, N1139D, N1184D, N1185D, N1245D.
Identifiers: ClinVar variation 2099346 (VCV002099346.4), dbSNP rs2523798258, ClinGen allele CA341337625.

ClinVar aggregate classification (germline): Uncertain significance (1 of 4 stars; one submission).

Conditions:
Glycogen storage disease type III (GSD3). Also called: FORBES DISEASE; Cori disease. Identifiers: Orphanet 366, MedGen C0017922, MONDO:0009291, OMIM 232400.

Submission:

Labcorp Genetics (formerly Invitae), Labcorp
Classification: Uncertain significance for Glycogen storage disease type III. Last evaluated: 2022-08-21. Review status: criteria provided, single submitter. Criteria: Invitae Variant Classification Sherloc (09022015). Collection method: clinical testing. Allele origin: germline.
Comment: Algorithms developed to predict the effect of missense changes on protein structure and function are either unavailable or do not agree on the potential impact of this missense change (SIFT: "Tolerated"; PolyPhen-2: "Probably Damaging"; Align-GVGD: "Class C0"). In summary, the available evidence is currently insufficient to determine the role of this variant in disease. Therefore, it has been classified as a Variant of Uncertain Significance. This variant has not been reported in the literature in individuals affected with AGL-related conditions. This sequence change replaces asparagine, which is neutral and polar, with aspartic acid, which is acidic and polar, at codon 1252 of the AGL protein (p.Asn1252Asp). This variant is not present in population databases (gnomAD no frequency).